The following is an entry in ClinVar:

NM_006514.4(SCN10A):c.4657+5G>A

Gene: SCN10A (sodium voltage-gated channel alpha subunit 10; minus strand). Cytogenetic location: 3p22.2.
Variant type: single nucleotide variant.
Coding change: c.4657+5G>A on transcript NM_006514.4 (MANE Select); 5 bases into the intron after coding-DNA position 4657, G replaced by A.
Molecular consequence: intron variant.
Genome position (GRCh38, 1-based): chr3:38,701,834, C>T on the plus strand (G>A on the coding strand, the complement: SCN10A is on the minus strand). VCF-style: chr3-38701834-C-T. GRCh37 (hg19) VCF-style: chr3-38743325-C-T.
Other names: c.4363+5G>A (NM_001293307.2); c.4654+5G>A (NM_001293306.2); c.4657+5G>A (NM_006514.3).
Identifiers: ClinVar variation 1524842 (VCV001524842.9), dbSNP rs373642730, ClinGen allele CA2319856.

ClinVar aggregate classification (germline): Conflicting classifications of pathogenicity. Review status: criteria provided, conflicting classifications (1 of 4 stars). 4 submissions from 4 submitters: Uncertain significance (3); Likely benign (1). Last evaluated 2026-03-10.

Conditions:
SCN10A-related disorder. Also called: SCN10A-related condition.
Episodic pain syndrome, familial, 2 (FEPS2). Identifiers: Orphanet 306577, MedGen C3809893, MONDO:0014246, OMIM 615551.
Cardiovascular phenotype. Identifiers: MedGen CN230736.
Brugada syndrome. Also called: Sudden unexpected nocturnal death syndrome; Sudden unexplained nocturnal death syndrome; Sudden Unexplained Death Syndrome; Sudden Unexplained Nocturnal Death Syndrome (SUNDS). Identifiers: Orphanet 130, MedGen C1142166, MONDO:0015263.

Allele frequency attached by ClinVar (database versions not stated): gnomAD exomes 0.00001 and 0.00004; ExAC 0.00005; TOPMed 0.00005; gnomAD 0.00007; ESP Exome Variant Server 0.00015; 1000 Genomes Project 0.00060; 1000 Genomes Project 30x 0.00078.
gnomAD v4.1: 23 of 1,592,990 alleles (0.0014%); highest among the groups gnomAD compares: African/African-American, 0.021%; no homozygotes.

Submissions (4):

PreventionGenetics, part of Exact Sciences
Classification: Uncertain significance for SCN10A-related condition. Last evaluated: 2026-03-10. Review status: criteria provided, single submitter. Criteria: ACMG Guidelines, 2015. Collection method: clinical testing. Allele origin: germline.
Comment: The SCN10A c.4657+5G>A variant is predicted to interfere with splicing. Of note, this splice variant occurs at the last donor splice site of the second to last exon (exon 26 of 27) of SCN10A and may escape nonsense mediated decay (Lindeboom et al. 2016. PubMed ID:27618451). This variant has been reported as a variant of uncertain significance in an individual with sudden cardiac arrest (Table S6. Stępień-Wojno et al. 2018. PubMed ID: 30403391). This variant is reported in 0.016% of alleles in individuals of African descent in gnomAD. At this time, the clinical significance of this variant is uncertain due to the absence of conclusive functional and genetic evidence.

Ambry Genetics
Classification: Likely benign for Cardiovascular phenotype. Last evaluated: 2021-10-08. Review status: criteria provided, single submitter. Criteria: Ambry Variant Classification Scheme 2023. Collection method: clinical testing. Allele origin: germline.

Labcorp Genetics (formerly Invitae), Labcorp
Classification: Uncertain significance for Brugada syndrome. Last evaluated: 2021-08-26. Review status: criteria provided, single submitter. Criteria: Invitae Variant Classification Sherloc (09022015). Collection method: clinical testing. Allele origin: germline.
Comment: This sequence change falls in intron 26 of the SCN10A gene. It does not directly change the encoded amino acid sequence of the SCN10A protein. It affects a nucleotide within the consensus splice site of the intron. This variant is present in population databases (rs373642730, ExAC 0.04%). This variant has been observed in individual(s) with sudden cardiac arrest (PMID: 30403391). Variants that disrupt the consensus splice site are a relatively common cause of aberrant splicing (PMID: 17576681, 9536098). Algorithms developed to predict the effect of sequence changes on RNA splicing suggest that this variant may disrupt the consensus splice site. In summary, the available evidence is currently insufficient to determine the role of this variant in disease. Therefore, it has been classified as a Variant of Uncertain Significance.

Fulgent Genetics
Classification: Uncertain significance for Episodic pain syndrome, familial, 2. Last evaluated: 2021-08-12. Review status: criteria provided, single submitter. Criteria: ACMG Guidelines, 2015. Collection method: clinical testing. Allele origin: unknown.

Literature cited by the submitters: PubMed 30403391 (cited by Ambry Genetics and Labcorp Genetics (formerly Invitae), Labcorp); PubMed 17576681 (cited by Labcorp Genetics (formerly Invitae), Labcorp); PubMed 9536098 (cited by Labcorp Genetics (formerly Invitae), Labcorp).